The following is an entry in ClinVar:

ClinVar aggregate classification (germline): Conflicting classifications of pathogenicity. Review status: criteria provided, conflicting classifications (1 of 4 stars). 2 submissions from 2 submitters: Uncertain significance (1); Likely benign (1). Last evaluated 2023-12-21.

Conditions:
Familial thoracic aortic aneurysm and aortic dissection (TAAD). Also called: Thoracic aortic aneurysms and dissections. Identifiers: Orphanet 91387, MedGen C4707243, MONDO:0019625.
Shprintzen-Goldberg syndrome (SGS). Also called: CRANIOSYNOSTOSIS WITH ARACHNODACTYLY AND ABDOMINAL HERNIAS; SHPRINTZEN-GOLDBERG CRANIOSYNOSTOSIS SYNDROME; Marfanoid disorder with craniosynostosis type 1; Marfanoid craniosynostosis syndrome; Shprintzen-Goldberg marfanoid syndrome. Identifiers: Orphanet 2462, MedGen C1321551, MONDO:0008426, OMIM 182212.

Allele frequency attached by ClinVar (database versions not stated): TOPMed 0.00008; gnomAD 0.00001; ExAC 0.00002; gnomAD exomes below 0.00001.
gnomAD v4.1: 4 of 1,613,410 alleles (0.00025%); highest among the groups gnomAD compares: African/African-American, 0.0053%; no homozygotes.

Submissions (2):

Labcorp Genetics (formerly Invitae), Labcorp
Classification: Likely benign for Shprintzen-Goldberg syndrome. Last evaluated: 2023-12-21. Review status: criteria provided, single submitter. Criteria: Invitae Variant Classification Sherloc (09022015). Collection method: clinical testing. Allele origin: germline.

Ambry Genetics
Classification: Uncertain significance for Familial thoracic aortic aneurysm and aortic dissection. Last evaluated: 2022-06-06. Review status: criteria provided, single submitter. Criteria: Ambry Variant Classification Scheme 2023. Collection method: clinical testing. Allele origin: germline.
Comment: The p.S353P variant (also known as c.1057T>C), located in coding exon 2 of the SKI gene, results from a T to C substitution at nucleotide position 1057. The serine at codon 353 is replaced by proline, an amino acid with similar properties. This amino acid position is conserved. In addition, this alteration is predicted to be tolerated by in silico analysis. Since supporting evidence is limited at this time, the clinical significance of this alteration remains unclear.

NM_003036.4(SKI):c.1057T>C (p.Ser353Pro)

Gene: SKI (SKI proto-oncogene; plus strand). Cytogenetic location: 1p36.32.
Variant type: single nucleotide variant.
Coding change: c.1057T>C on transcript NM_003036.4 (MANE Select); coding-DNA position 1057, T replaced by C.
Protein change: p.Ser353Pro; replaces serine 353 with proline.
Molecular consequence: missense variant.
Genome position (GRCh38, 1-based): chr1:2,303,065, T>C. VCF-style: chr1-2303065-T-C. GRCh37 (hg19) VCF-style: chr1-2234504-T-C.
Other names: short protein forms S353P.
Identifiers: ClinVar variation 1779029 (VCV001779029.7), dbSNP rs768686539, ClinGen allele CA536544.
Genomic context (GRCh38, chr1:2,303,065, plus strand): 5'-AGACCCAAAACAGATGACACCTCTTCCCAGTCCCCCGCGCCTTCCGAAAAGGACAAGCCG[T>C]CCAGCTGGCTGCGGACCTTGGCCGGCTCTTCCAATAAGGTGCTGTGGGGCCTGTCGGGGT-3'
Protein context (NP_003027.1, residues 343-363): SPAPSEKDKP[Ser353Pro]SWLRTLAGSS